The following is an entry in ClinVar:

NM_001142864.4(PIEZO1):c.65-5C>T

Gene: PIEZO1 (piezo type mechanosensitive ion channel component 1 (Er blood group); minus strand). Cytogenetic location: 16q24.3.
Variant type: single nucleotide variant.
Coding change: c.65-5C>T on transcript NM_001142864.4 (MANE Select); 5 bases into the intron before coding-DNA position 65, C replaced by T.
Molecular consequence: intron variant.
Genome position (GRCh38, 1-based): chr16:88,749,484, G>A on the plus strand (C>T on the coding strand, the complement: PIEZO1 is on the minus strand). VCF-style: chr16-88749484-G-A. GRCh37 (hg19) VCF-style: chr16-88815892-G-A.
Identifiers: ClinVar variation 4698423 (VCV004698423.2).

ClinVar aggregate classification (germline): Conflicting classifications of pathogenicity. Review status: criteria provided, conflicting classifications (1 of 4 stars). 2 submissions from 2 submitters: Uncertain significance (1); Likely benign (1). Last evaluated 2025-11-06.

Conditions:
Lymphatic malformation 6 (LMPHM6). Also called: GENERALIZED LYMPHATIC DYSPLASIA OF FOTIOU; Lymphedema, hereditary, III; PIEZO1-related generalized lymphatic dysplasia with non-immune hydrops fetalis. Identifiers: Orphanet 568062, MedGen C4225184, MONDO:0014797, OMIM 616843.

Submissions (2):

Clinical Genomics Laboratory, Washington University in St. Louis
Classification: Uncertain significance for Lymphatic malformation 6. Last evaluated: 2025-11-06. Review status: criteria provided, single submitter. Criteria: ACMG Guidelines, 2015. Collection method: clinical testing. Allele origin: germline.
Comment: A PIEZO1 c.65-5C>T variant was identified at a near heterozygous allelic fraction of 47.3%, a frequency which may be consistent with it being of germline origin. The PIEZO1 c.65-5C>T variant, to our knowledge, has not been reported in the medical literature. This variant is only observed in 23/1,523,986 alleles in the general population (gnomAD v4.1.0), indicating it is not a common variant. Computational predictors indicate that the variant has no impact on splicing, evidence that this variant does not have a damaging effect on PIEZO1 function. Due to limited information, and based on ACMG/AMP guidelines for variant interpretation (Richards S et al., PMID: 25741868), the clinical significance of this variant is uncertain at this time.

Labcorp Genetics (formerly Invitae), Labcorp
Classification: Likely benign. Last evaluated: 2025-05-18. Review status: criteria provided, single submitter. Criteria: Invitae Variant Classification Sherloc (09022015). Collection method: clinical testing. Allele origin: germline.